The following is an entry in ClinVar:

ClinVar aggregate classification (germline): Uncertain significance (1 of 4 stars; one submission).

Allele frequency attached by ClinVar (database versions not stated): gnomAD exomes 0.00001 and 0.00004; ExAC 0.00003; TOPMed 0.00003.
gnomAD v4.1: 9 of 1,614,076 alleles (0.00056%); highest among the groups gnomAD compares: Admixed American, 0.013%; no homozygotes.

Submission:

Labcorp Genetics (formerly Invitae), Labcorp
Classification: Uncertain significance. Last evaluated: 2021-02-15. Review status: criteria provided, single submitter. Criteria: Invitae Variant Classification Sherloc (09022015). Collection method: clinical testing. Allele origin: germline.
Comment: This sequence change replaces glutamic acid with lysine at codon 2597 of the HTT protein (p.Glu2597Lys). The glutamic acid residue is weakly conserved and there is a small physicochemical difference between glutamic acid and lysine. This variant is present in population databases (rs752505044, ExAC 0.03%). This variant has not been reported in the literature in individuals with HTT-related conditions. Experimental studies and prediction algorithms are not available or were not evaluated, and the functional significance of this variant is currently unknown. In summary, the available evidence is currently insufficient to determine the role of this variant in disease. Therefore, it has been classified as a Variant of Uncertain Significance.

NM_001388492.1(HTT):c.7783G>A (p.Glu2595Lys)

Gene: HTT (huntingtin; plus strand). Cytogenetic location: 4p16.3.
Variant type: single nucleotide variant.
Coding change: c.7783G>A on transcript NM_001388492.1 (MANE Select); coding-DNA position 7783, G replaced by A.
Protein change: p.Glu2595Lys; replaces glutamic acid 2595 with lysine.
Molecular consequence: missense variant.
Genome position (GRCh38, 1-based): chr4:3,225,678, G>A. VCF-style: chr4-3225678-G-A. GRCh37 (hg19) VCF-style: chr4-3227405-G-A.
Other names: c.7789G>A, p.Glu2597Lys (NM_002111.8); short protein forms E2597K, E2595K.
Identifiers: ClinVar variation 1412914 (VCV001412914.1), dbSNP rs752505044, ClinGen allele CA2825477.